The following is an entry in ClinVar:

NM_006015.6(ARID1A):c.3196C>T (p.Gln1066Ter)

Gene: ARID1A (AT-rich interaction domain 1A; plus strand). Cytogenetic location: 1p36.11.
Variant type: single nucleotide variant.
Coding change: c.3196C>T on transcript NM_006015.6 (MANE Select); coding-DNA position 3196, C replaced by T.
Protein change: p.Gln1066Ter; replaces glutamine 1066 with a stop codon.
Molecular consequence: nonsense.
Genome position (GRCh38, 1-based): chr1:26,767,997, C>T. VCF-style: chr1-26767997-C-T. GRCh37 (hg19) VCF-style: chr1-27094488-C-T.
Other names: c.3196C>T, p.Gln1066Ter (NM_139135.4); short protein forms Q1066*.
Identifiers: ClinVar variation 986358 (VCV000986358.1), dbSNP rs2081053546, ClinGen allele CA339163944.

ClinVar aggregate classification (germline): Pathogenic (1 of 4 stars; one submission).

Conditions:
Intellectual disability, autosomal dominant 14 (CSS2). Also called: COFFIN-SIRIS SYNDROME 2. Identifiers: Orphanet 1465, MedGen C3553247, MONDO:0013819, OMIM 614607.

Submission:

Rady Children's Institute for Genomic Medicine, Rady Children's Hospital San Diego
Classification: Pathogenic for COFFIN-SIRIS SYNDROME 2. Last evaluated: 2019-08-07. Review status: criteria provided, single submitter. Criteria: ACMG Guidelines, 2015. Collection method: clinical testing. Allele origin: germline. Affected: yes.
Comment: This nonsense variant found in exon 11 of 20 is predicted to result in loss of normal protein function. This variant has not been previously reported or functionally characterized in the literature to our knowledge. It is absent from the ExAC and gnomAD population databases and thus is presumed to be rare. Analysis of the parental samples was negative for the variant, indicating this variant likely occurred as a de novo event. Based on the available evidence, the c.3196C>T (p.Gln1066Ter) variant is classified as Pathogenic.